The following is an entry in ClinVar:

NM_017636.4(TRPM4):c.3217C>T (p.Pro1073Ser)

Gene: TRPM4 (transient receptor potential cation channel subfamily M member 4; plus strand). Cytogenetic location: 19q13.33.
Variant type: single nucleotide variant.
Coding change: c.3217C>T on transcript NM_017636.4 (MANE Select); coding-DNA position 3217, C replaced by T.
Protein change: p.Pro1073Ser; replaces proline 1073 with serine.
Molecular consequence: missense variant.
Genome position (GRCh38, 1-based): chr19:49,210,294, C>T. VCF-style: chr19-49210294-C-T. GRCh37 (hg19) VCF-style: chr19-49713551-C-T.
Other names: c.2782C>T, p.Pro928Ser (NM_001195227.2); c.2872C>T, p.Pro958Ser (NM_001321281.2); c.1609C>T, p.Pro537Ser (NM_001321282.2); c.2695C>T, p.Pro899Ser (NM_001321283.2); c.2155C>T, p.Pro719Ser (NM_001321285.2); short protein forms P719S, P928S, P958S, P1073S, P537S, P899S.
Identifiers: ClinVar variation 3329244 (VCV003329244.1).

ClinVar aggregate classification (germline): Uncertain significance (1 of 4 stars; one submission).

Conditions:
Cardiovascular phenotype. Identifiers: MedGen CN230736.

Submission:

Ambry Genetics
Classification: Uncertain significance for Cardiovascular phenotype. Last evaluated: 2024-05-11. Review status: criteria provided, single submitter. Criteria: Ambry Variant Classification Scheme 2023. Collection method: clinical testing. Allele origin: germline.
Comment: The p.P1073S variant (also known as c.3217C>T), located in coding exon 21 of the TRPM4 gene, results from a C to T substitution at nucleotide position 3217. The proline at codon 1073 is replaced by serine, an amino acid with similar properties. This amino acid position is conserved. In addition, the in silico prediction for this alteration is inconclusive. Based on the available evidence, the clinical significance of this variant remains unclear.